The following is an entry in ClinVar:

NM_000548.5(TSC2):c.1855T>C (p.Leu619=)

Gene: TSC2 (TSC complex subunit 2; plus strand). Cytogenetic location: 16p13.3.
Variant type: single nucleotide variant.
Coding change: c.1855T>C on transcript NM_000548.5 (MANE Select); coding-DNA position 1855, T replaced by C.
Protein change: p.Leu619=; no amino-acid change (leucine 619 retained).
Molecular consequence: synonymous variant. On other transcripts: non-coding transcript variant (5).
Genome position (GRCh38, 1-based): chr16:2,071,525, T>C. VCF-style: chr16-2071525-T-C. GRCh37 (hg19) VCF-style: chr16-2121526-T-C.
Other names: c.1855T>C, p.Leu619= (NM_001077183.3, NM_001114382.3, NM_001363528.2 and 6 more transcripts); c.1744T>C, p.Leu582= (NM_001318827.2, NM_001406670.1, NM_001406678.1); c.1708T>C, p.Leu570= (NM_001318829.2, NM_001406675.1, NM_001406676.1 and 1 more transcripts); c.1255T>C, p.Leu419= (NM_001318831.2, NM_001406680.1, NM_001406682.1 and 6 more transcripts); c.1888T>C, p.Leu630= (NM_001318832.2); c.1945T>C, p.Leu649= (NM_001406667.1, NM_001406668.1); c.1843T>C, p.Leu615= (NM_001406671.1, NM_001406673.1); c.1798T>C, p.Leu600= (NM_001406677.1); and 3 more.
Identifiers: ClinVar variation 3462658 (VCV003462658.2).
Genomic context (GRCh38, chr16:2,071,525, plus strand): 5'-CCTGCACGAGCTTGGCTCTGGCTTTCACCATCCTCTTCCTGACAGGCCTTTGACTTCCTG[T>C]TGCTGCTGCGGGCCGACTCACTGCACCGCCTGGGCCTGCCCAACAAGGATGGAGTCGTGC-3'
Protein context (NP_000539.2, residues 609-629): SIRLQAFDFL[Leu619=]LLRADSLHRL

ClinVar aggregate classification (germline): Benign/Likely benign. Review status: criteria provided, multiple submitters, no conflicts (2 of 4 stars). 2 submissions from 2 submitters: Benign (1); Likely benign (1). Last evaluated 2025-05-16.

Conditions:
Tuberous sclerosis 2 (TSC2). Identifiers: Orphanet 805, MedGen C1860707, MONDO:0013199, OMIM 613254.
Hereditary cancer-predisposing syndrome. Also called: Hereditary Cancer Syndrome; Hereditary neoplastic syndrome; Neoplastic Syndromes, Hereditary; Tumor predisposition. Identifiers: Orphanet 140162, MedGen C0027672, MeSH D009386, MONDO:0015356.

Submissions (2):

Myriad Genetics, Inc.
Classification: Benign for Tuberous sclerosis 2. Last evaluated: 2025-05-16. Review status: criteria provided, single submitter. Criteria: Myriad Autosomal Dominant, Autosomal Recessive and X-Linked Classification Criteria (2023). Collection method: clinical testing. Allele origin: unknown.
Comment: This variant is considered benign. This variant is a silent/synonymous amino acid change and it is not expected to impact splicing.

Ambry Genetics
Classification: Likely benign for Hereditary cancer-predisposing syndrome. Last evaluated: 2024-11-01. Review status: criteria provided, single submitter. Criteria: Ambry Variant Classification Scheme 2023. Collection method: clinical testing. Allele origin: germline.